The following is an entry in ClinVar:

NM_004172.5(SLC1A3):c.*451A>G

Genes: SLC1A3-AS1 (SLC1A3 antisense RNA 1; minus strand), SLC1A3 (solute carrier family 1 member 3; plus strand). Cytogenetic location: 5p13.2.
Variant type: single nucleotide variant.
Coding change: c.*451A>G on transcript NM_004172.5 (MANE Select); 451 bases downstream of the stop codon, A replaced by G.
Molecular consequence: 3 prime UTR variant.
Genome position (GRCh38, 1-based): chr5:36,686,720, A>G. VCF-style: chr5-36686720-A-G. GRCh37 (hg19) VCF-style: chr5-36686822-A-G.
Other names: c.*451A>G (NM_001166695.3, NM_001289939.2, NM_001289940.2).
Identifiers: ClinVar variation 353334 (VCV000353334.5), dbSNP rs141530300, ClinGen allele CA10624561.
Genomic context (GRCh38, chr5:36,686,720, plus strand): 5'-CAATTCAGTTTTAGTTTCAAAATGTTAACAACTTGAATTACAACCGGTTATCAGTTGGAC[A>G]GTAAGATTTTATCCCTTTCTCTTCTGACTGGTATACCTATTTCATTAGTAGCTAGGTGCA-3'

ClinVar aggregate classification (germline): Benign (1 of 4 stars; one submission).

Conditions:
Episodic ataxia type 6. Identifiers: Orphanet 209967, MedGen C2675211, MONDO:0012982, OMIM 612656.

Allele frequency attached by ClinVar (database versions not stated): gnomAD exomes 0.00029; gnomAD 0.00567; TOPMed 0.00567; 1000 Genomes Project 0.00719; 1000 Genomes Project 30x 0.00734.
gnomAD v4.1: 830 of 263,318 alleles (0.32%); highest among the groups gnomAD compares: African/African-American, 1.8%; 6 homozygotes.

Submission:

Illumina Laboratory Services, Illumina
Classification: Benign for Episodic ataxia type 6. Last evaluated: 2018-01-13. Review status: criteria provided, single submitter. Criteria: ICSL Variant Classification Criteria 13 December 2019. Collection method: clinical testing. Allele origin: germline.
Comment: This variant was observed in the ICSL laboratory as part of a predisposition screen in an ostensibly healthy population. It had not been previously curated by ICSL or reported in the Human Gene Mutation Database (HGMD: prior to June 1st, 2018), and was therefore a candidate for classification through an automated scoring system. Utilizing variant allele frequency, disease prevalence and penetrance estimates, and inheritance mode, an automated score was calculated to assess if this variant is too frequent to cause the disease. Based on the score and internal cut-off values, a variant classified as benign is not then subjected to further curation. The score for this variant resulted in a classification of benign for this disease.